The following is an entry in ClinVar:

NM_198239.2(CCN6):c.43_44del (p.Ala15fs)

Gene: CCN6 (cellular communication network factor 6; plus strand). Cytogenetic location: 6q21.
Variant type: Deletion.
Coding change: c.43_44del on transcript NM_198239.2 (MANE Select); coding-DNA positions 43 to 44, 2 bases deleted (GC; older notation c.43_44delGC).
Protein change: p.Ala15fs; shifts the reading frame from alanine 15.
Molecular consequence: frameshift variant. On other transcripts: non-coding transcript variant (2).
Genome position (GRCh38, 1-based): chr6:112,054,400-112,054,401, GC deleted. VCF-style (leftmost placement, unchanged base first): chr6-112054399-GGC-G. GRCh37 (hg19) VCF-style: chr6-112375602-GGC-G.
Other names: c.43_44delGC (NM_003880.3); c.43_44del, p.Ala15fs (NM_003880.4); short protein forms A15fs.
Identifiers: ClinVar variation 6386 (VCV000006386.6), dbSNP rs1554311394, ClinGen allele CA569669776.
Genomic context (GRCh38, chr6:112,054,399, plus strand): 5'-GCTCCACGGTCCCAGCGACATGCAGGGGCTCCTCTTCTCCACTCTTCTGCTTGCTGGCCT[GGC>G]ACAGGTAAGTCCTCTCCCCCGACTCTTTCCCTTCCGGAGGCTATGGCCATCCTTAGTTCT-3'

ClinVar aggregate classification (germline): Pathogenic. Review status: criteria provided, single submitter (1 of 4 stars). 2 submissions from 2 submitters: Pathogenic (1). 1 of the submissions does not count toward it. Last evaluated 2023-05-07.

Conditions:
Progressive pseudorheumatoid dysplasia (PPRD). Also called: Progressive Pseudorheumatoid Arthropathy of Childhood; SPONDYLOEPIPHYSEAL DYSPLASIA TARDA WITH PROGRESSIVE ARTHROPATHY. Identifiers: Orphanet 1159, MedGen C0432215, MONDO:0008827, OMIM 208230. Disease mechanism: loss of function.

Allele frequency attached by ClinVar (database versions not stated): gnomAD exomes below 0.00001 and 0.00001.

Submissions (2):

Labcorp Genetics (formerly Invitae), Labcorp
Classification: Pathogenic. Last evaluated: 2023-05-07. Review status: criteria provided, single submitter. Criteria: Invitae Variant Classification Sherloc (09022015). Collection method: clinical testing. Allele origin: germline.
Comment: This variant is also known as 43delGC . For these reasons, this variant has been classified as Pathogenic. ClinVar contains an entry for this variant (Variation ID: 6386). This premature translational stop signal has been observed in individual(s) with progressive pseudorheumatoid dysplasia (PMID: 10471507). This variant is present in population databases (no rsID available, gnomAD 0.006%). This sequence change creates a premature translational stop signal (p.Ala15Thrfs*17) in the WISP3 gene. It is expected to result in an absent or disrupted protein product. Loss-of-function variants in WISP3 are known to be pathogenic (PMID: 22791401).

OMIM
Classification: Pathogenic for PROGRESSIVE PSEUDORHEUMATOID ARTHROPATHY. Last evaluated: 1999-09-01. Review status: no assertion criteria provided. Collection method: literature only. Allele origin: germline. Not counted in ClinVar's aggregate classification.

Literature cited by the submitters: PubMed 10471507 (cited by Labcorp Genetics (formerly Invitae), Labcorp and OMIM); PubMed 22791401 (cited by Labcorp Genetics (formerly Invitae), Labcorp).